The following is an entry in ClinVar:

ClinVar aggregate classification (germline): Uncertain significance (1 of 4 stars; one submission).

Allele frequency attached by ClinVar (database versions not stated): gnomAD exomes below 0.00001.
gnomAD v4.1: 1 of 1,613,690 alleles (0.000062%); highest among the groups gnomAD compares: Admixed American, 0.0017%; no homozygotes.

Submission:

GeneDx
Classification: Uncertain significance. Last evaluated: 2022-08-30. Review status: criteria provided, single submitter. Criteria: GeneDx Variant Classification Process June 2021. Collection method: clinical testing. Allele origin: germline. Affected: yes.
Comment: Not observed at significant frequency in large population cohorts (gnomAD); Missense variant in a gene in which most reported pathogenic variants are truncating/loss of function; Has not been previously published as pathogenic or benign to our knowledge

NM_001267550.2(TTN):c.105739G>C (p.Val35247Leu)

Genes: TTN (titin; minus strand), TTN-AS1 (TTN antisense RNA 1; plus strand), LOC129935183 (ATAC-STARR-seq lymphoblastoid active region 16808; plus strand). Cytogenetic location: 2q31.2.
Variant type: single nucleotide variant.
Coding change: c.105739G>C on transcript NM_001267550.2 (MANE Select); coding-DNA position 105739, G replaced by C.
Protein change: p.Val35247Leu; replaces valine 35247 with leucine.
Molecular consequence: missense variant.
Genome position (GRCh38, 1-based): chr2:178,530,876, C>G on the plus strand (G>C on the coding strand, the complement: TTN is on the minus strand). VCF-style: chr2-178530876-C-G. GRCh37 (hg19) VCF-style: chr2-179395603-C-G.
Other names: c.100816G>C, p.Val33606Leu (NM_001256850.1); c.78544G>C, p.Val26182Leu (NM_003319.4); c.98035G>C, p.Val32679Leu (NM_133378.4); c.78919G>C, p.Val26307Leu (NM_133432.3); c.79120G>C, p.Val26374Leu (NM_133437.4); short protein forms V26182L, V26307L, V26374L, V32679L, V33606L, V35247L.
Identifiers: ClinVar variation 2442424 (VCV002442424.1), dbSNP rs1258108402, ClinGen allele CA349407923.